The following is an entry in ClinVar:

NM_002608.4(PDGFB):c.572G>A (p.Arg191Gln)

Gene: PDGFB (platelet derived growth factor subunit B; minus strand). Cytogenetic location: 22q13.1.
Variant type: single nucleotide variant.
Coding change: c.572G>A on transcript NM_002608.4 (MANE Select); coding-DNA position 572, G replaced by A.
Protein change: p.Arg191Gln; replaces arginine 191 with glutamine.
Molecular consequence: missense variant.
Genome position (GRCh38, 1-based): chr22:39,230,113, C>T on the plus strand (G>A on the coding strand, the complement: PDGFB is on the minus strand). VCF-style: chr22-39230113-C-T. GRCh37 (hg19) VCF-style: chr22-39626118-C-T.
Other names: c.527G>A, p.Arg176Gln (NM_033016.3); short protein forms R176Q, R191Q.
Identifiers: ClinVar variation 1208241 (VCV001208241.12), dbSNP rs776409973, ClinGen allele CA10240070.

ClinVar aggregate classification (germline): Conflicting classifications of pathogenicity. Review status: criteria provided, conflicting classifications (1 of 4 stars). 4 submissions from 4 submitters: Uncertain significance (3); Likely benign (1). Last evaluated 2026-06-01.

Conditions:
Inborn genetic diseases. Identifiers: MedGen C0950123, MeSH D030342.

Allele frequency attached by ClinVar (database versions not stated): gnomAD exomes 0.00002 and 0.00004; gnomAD 0.00003 and 0.00004; TOPMed 0.00004; ExAC 0.00005.
gnomAD v4.1: 40 of 1,613,746 alleles (0.0025%); highest among the groups gnomAD compares: Admixed American, 0.0033%; no homozygotes.

Submissions (4):

CeGaT Center for Human Genetics Tuebingen
Classification: Uncertain significance. Last evaluated: 2026-06-01. Review status: criteria provided, single submitter. Criteria: CeGaT Center For Human Genetics Tuebingen Variant Classification Criteria Version 2. Collection method: clinical testing. Allele origin: germline. Affected: yes. Observed: 2 variant alleles.
Comment: PDGFB: PM2, BP4

Ambry Genetics
Classification: Uncertain significance for Inborn genetic diseases. Last evaluated: 2025-08-27. Review status: criteria provided, single submitter. Criteria: Ambry Variant Classification Scheme 2023. Collection method: clinical testing. Allele origin: germline.

Labcorp Genetics (formerly Invitae), Labcorp
Classification: Uncertain significance. Last evaluated: 2021-09-16. Review status: criteria provided, single submitter. Criteria: Invitae Variant Classification Sherloc (09022015). Collection method: clinical testing. Allele origin: germline.
Comment: This variant is present in population databases (rs776409973, ExAC 0.02%). In summary, the available evidence is currently insufficient to determine the role of this variant in disease. Therefore, it has been classified as a Variant of Uncertain Significance. Algorithms developed to predict the effect of missense changes on protein structure and function are either unavailable or do not agree on the potential impact of this missense change (SIFT: "Not Available"; PolyPhen-2: "Possibly Damaging"; Align-GVGD: "Not Available"). ClinVar contains an entry for this variant (Variation ID: 1208241). This variant has not been reported in the literature in individuals affected with PDGFB-related conditions. This sequence change replaces arginine with glutamine at codon 191 of the PDGFB protein (p.Arg191Gln). The arginine residue is moderately conserved and there is a small physicochemical difference between arginine and glutamine.

GeneDx
Classification: Likely benign. Last evaluated: 2018-11-29. Review status: criteria provided, single submitter. Criteria: GeneDx Variant Classification Process June 2021. Collection method: clinical testing. Allele origin: germline. Affected: yes.